The following is an entry in ClinVar:

NM_015047.3(EMC1):c.1492T>C (p.Trp498Arg)

Genes: EMC1 (ER membrane protein complex subunit 1; minus strand), EMC1-AS1 (EMC1 antisense RNA 1; plus strand). Cytogenetic location: 1p36.13.
Variant type: single nucleotide variant.
Coding change: c.1492T>C on transcript NM_015047.3 (MANE Select); coding-DNA position 1492, T replaced by C.
Protein change: p.Trp498Arg; replaces tryptophan 498 with arginine.
Molecular consequence: missense variant.
Genome position (GRCh38, 1-based): chr1:19,233,076, A>G on the plus strand (T>C on the coding strand, the complement: EMC1 is on the minus strand). VCF-style: chr1-19233076-A-G. GRCh37 (hg19) VCF-style: chr1-19559570-A-G.
Other names: c.1489T>C, p.Trp497Arg (NM_001271427.2, NM_001271428.2); c.1426T>C, p.Trp476Arg (NM_001271429.2); c.1501T>C, p.Trp501Arg (NM_001375820.1); c.1498T>C, p.Trp500Arg (NM_001375821.1); short protein forms W498R, W501R, W500R, W476R, W497R.
Identifiers: ClinVar variation 1041692 (VCV001041692.10), dbSNP rs759830718, ClinGen allele CA652560.

ClinVar aggregate classification (germline): Uncertain significance. Review status: criteria provided, multiple submitters, no conflicts (2 of 4 stars). 3 submissions from 3 submitters: Uncertain significance (3). Last evaluated 2024-09-21.

Conditions:
Cerebellar atrophy, visual impairment, and psychomotor retardation;. Also called: Cerebellar atrophy, visual impairment, and psychomotor retardation. Identifiers: MedGen C4225172, MONDO:0014811, OMIM 616875.

Allele frequency attached by ClinVar (database versions not stated): ExAC 0.00001; gnomAD exomes 0.00001; gnomAD 0.00002; TOPMed 0.00002.
gnomAD v4.1: 57 of 1,614,106 alleles (0.0035%); highest among the groups gnomAD compares: Non-Finnish European, 0.0045%; no homozygotes.

Submissions (3):

Labcorp Genetics (formerly Invitae), Labcorp
Classification: Uncertain significance. Last evaluated: 2024-09-21. Review status: criteria provided, single submitter. Criteria: Invitae Variant Classification Sherloc (09022015). Collection method: clinical testing. Allele origin: germline.
Comment: This sequence change replaces tryptophan, which is neutral and slightly polar, with arginine, which is basic and polar, at codon 498 of the EMC1 protein (p.Trp498Arg). This variant is present in population databases (rs759830718, gnomAD 0.006%). This variant has not been reported in the literature in individuals affected with EMC1-related conditions. ClinVar contains an entry for this variant (Variation ID: 1041692). Invitae Evidence Modeling of protein sequence and biophysical properties (such as structural, functional, and spatial information, amino acid conservation, physicochemical variation, residue mobility, and thermodynamic stability) indicates that this missense variant is expected to disrupt EMC1 protein function with a positive predictive value of 80%. In summary, the available evidence is currently insufficient to determine the role of this variant in disease. Therefore, it has been classified as a Variant of Uncertain Significance.

Blueprint Genetics
Classification: Uncertain significance. Last evaluated: 2022-04-28. Review status: criteria provided, single submitter. Criteria: ACMG Guidelines, 2015. Collection method: clinical testing. Allele origin: germline.

Fulgent Genetics
Classification: Uncertain significance for Cerebellar atrophy, visual impairment, and psychomotor retardation;. Last evaluated: 2021-08-26. Review status: criteria provided, single submitter. Criteria: ACMG Guidelines, 2015. Collection method: clinical testing. Allele origin: unknown.